The following is an entry in ClinVar:

NM_001009944.3(PKD1):c.6506T>C (p.Leu2169Ser)

Gene: PKD1 (polycystin 1, transient receptor potential channel interacting; minus strand). Cytogenetic location: 16p13.3.
Variant type: single nucleotide variant.
Coding change: c.6506T>C on transcript NM_001009944.3 (MANE Select); coding-DNA position 6506, T replaced by C.
Protein change: p.Leu2169Ser; replaces leucine 2169 with serine.
Molecular consequence: missense variant.
Genome position (GRCh38, 1-based): chr16:2,108,661, A>G on the plus strand (T>C on the coding strand, the complement: PKD1 is on the minus strand). VCF-style: chr16-2108661-A-G. GRCh37 (hg19) VCF-style: chr16-2158662-A-G.
Other names: c.6506T>C, p.Leu2169Ser (NM_000296.4); short protein forms L2169S.
Identifiers: ClinVar variation 1313430 (VCV001313430.7), dbSNP rs2151787641, ClinGen allele CA394373424.

ClinVar aggregate classification (germline): Uncertain significance. Review status: criteria provided, multiple submitters, no conflicts (2 of 4 stars). 3 submissions from 3 submitters: Uncertain significance (3). Last evaluated 2026-03-25.

Conditions:
PKD1-related disorder. Also called: PKD1-related condition.

Submissions (3):

PreventionGenetics, part of Exact Sciences
Classification: Uncertain significance for PKD1-related condition. Last evaluated: 2026-03-25. Review status: criteria provided, single submitter. Criteria: ACMG Guidelines, 2015. Collection method: clinical testing. Allele origin: germline.
Comment: The PKD1 c.6506T>C variant is predicted to result in the amino acid substitution p.Leu2169Ser. To our knowledge, this variant has not been reported in the literature or in a large population database (gnomAD), indicating this variant is rare. At this time, the clinical significance of this variant is uncertain due to the absence of conclusive functional and genetic evidence.

GeneDx
Classification: Uncertain significance. Last evaluated: 2025-09-30. Review status: criteria provided, single submitter. Criteria: GeneDx Variant Classification Process June 2021. Collection method: clinical testing. Allele origin: germline. Affected: yes.
Comment: Not observed at significant frequency in large population cohorts (gnomAD); In silico analysis supports that this missense variant has a deleterious effect on protein structure/function; Has not been previously published as pathogenic or benign to our knowledge

Blueprint Genetics
Classification: Uncertain significance. Last evaluated: 2019-11-19. Review status: criteria provided, single submitter. Criteria: ACMG Guidelines, 2015. Collection method: clinical testing. Allele origin: germline.